The following is an entry in ClinVar:

NM_005188.4(CBL):c.2053A>G (p.Lys685Glu)

Gene: CBL (Cbl proto-oncogene; plus strand). Cytogenetic location: 11q23.3.
Variant type: single nucleotide variant.
Coding change: c.2053A>G on transcript NM_005188.4 (MANE Select); coding-DNA position 2053, A replaced by G.
Protein change: p.Lys685Glu; replaces lysine 685 with glutamic acid.
Molecular consequence: missense variant.
Genome position (GRCh38, 1-based): chr11:119,296,934, A>G. VCF-style: chr11-119296934-A-G. GRCh37 (hg19) VCF-style: chr11-119167644-A-G.
Other names: short protein forms K685E.
Identifiers: ClinVar variation 1059135 (VCV001059135.13), dbSNP rs1555027603, ClinGen allele CA382926467.

ClinVar aggregate classification (germline): Uncertain significance. Review status: criteria provided, multiple submitters, no conflicts (2 of 4 stars). 4 submissions from 4 submitters: Uncertain significance (4). Last evaluated 2025-11-28.

Conditions:
Cardiovascular phenotype. Identifiers: MedGen CN230736.
RASopathy. Also called: Noonan spectrum disorder; rasopathies. Identifiers: Orphanet 536391, MedGen C5555857, MONDO:0021060.

Allele frequency attached by ClinVar (database versions not stated): gnomAD exomes below 0.00001; TOPMed below 0.00001; gnomAD 0.00001.
gnomAD v4.1: 3 of 1,603,170 alleles (0.00019%); highest among the groups gnomAD compares: Non-Finnish European, 0.00026%; no homozygotes.

Submissions (4):

Labcorp Genetics (formerly Invitae), Labcorp
Classification: Uncertain significance for RASopathy. Last evaluated: 2025-11-28. Review status: criteria provided, single submitter. Criteria: Invitae Variant Classification Sherloc (09022015). Collection method: clinical testing. Allele origin: germline.
Comment: This sequence change replaces lysine, which is basic and polar, with glutamic acid, which is acidic and polar, at codon 685 of the CBL protein (p.Lys685Glu). This variant is not present in population databases (gnomAD no frequency). This variant has not been reported in the literature in individuals affected with CBL-related conditions. ClinVar contains an entry for this variant (Variation ID: 1059135). Invitae Evidence Modeling of protein sequence and biophysical properties (such as structural, functional, and spatial information, amino acid conservation, physicochemical variation, residue mobility, and thermodynamic stability) indicates that this missense variant is not expected to disrupt CBL protein function with a negative predictive value of 95%. In summary, the available evidence is currently insufficient to determine the role of this variant in disease. Therefore, it has been classified as a Variant of Uncertain Significance.

Ambry Genetics
Classification: Uncertain significance for Cardiovascular phenotype. Last evaluated: 2025-06-10. Review status: criteria provided, single submitter. Criteria: Ambry Variant Classification Scheme 2023. Collection method: clinical testing. Allele origin: germline.
Comment: The p.K685E variant (also known as c.2053A>G), located in coding exon 13 of the CBL gene, results from an A to G substitution at nucleotide position 2053. The lysine at codon 685 is replaced by glutamic acid, an amino acid with similar properties. This amino acid position is conserved. In addition, this alteration is predicted to be tolerated by in silico analysis. Since supporting evidence is limited at this time, the clinical significance of this alteration remains unclear.

Blueprint Genetics
Classification: Uncertain significance. Last evaluated: 2024-11-06. Review status: criteria provided, single submitter. Criteria: ACMG Guidelines, 2015. Collection method: clinical testing. Allele origin: germline.

Centre of Medical Genetics, University Hospital Muenster
Classification: Uncertain significance. Last evaluated: 2022-08-12. Review status: criteria provided, single submitter. Criteria: ACMG Guidelines, 2015. Collection method: clinical testing. Allele origin: unknown. Affected: yes. Observed: 1 variant allele, 1 heterozygote.
Comment: ACMG categories: PM2